The following is an entry in ClinVar:

NM_000350.3(ABCA4):c.53G>A (p.Arg18Gln)

Gene: ABCA4 (ATP binding cassette subfamily A member 4; minus strand). Cytogenetic location: 1p22.1.
Variant type: single nucleotide variant.
Coding change: c.53G>A on transcript NM_000350.3 (MANE Select); coding-DNA position 53, G replaced by A.
Protein change: p.Arg18Gln; replaces arginine 18 with glutamine.
Molecular consequence: missense variant.
Genome position (GRCh38, 1-based): chr1:94,120,993, C>T on the plus strand (G>A on the coding strand, the complement: ABCA4 is on the minus strand). VCF-style: chr1-94120993-C-T. GRCh37 (hg19) VCF-style: chr1-94586549-C-T.
Other names: c.53G>A, p.Arg18Gln (NM_001425324.1); short protein forms R18Q.
Identifiers: ClinVar variation 1350865 (VCV001350865.10), dbSNP rs868543294, ClinGen allele CA26845219.

ClinVar aggregate classification (germline): Pathogenic. Review status: criteria provided, multiple submitters, no conflicts (2 of 4 stars). 3 submissions from 3 submitters: Pathogenic (3). Last evaluated 2024-07-15.

Conditions:
ABCA4-related disorder. Also called: ABCA4-related disorders; ABCA4-related condition. Identifiers: MedGen CN239167.
Stargardt disease (FFM). Also called: Stargardt's disease; Fundus flavimaculatus. Identifiers: Orphanet 827, MedGen C0271093, MONDO:0019353.

Allele frequency attached by ClinVar (database versions not stated): gnomAD exomes below 0.00001.
gnomAD v4.1: 2 of 1,601,454 alleles (0.00012%); highest among the groups gnomAD compares: South Asian, 0.0022%; no homozygotes.

Submissions (3):

Women's Health and Genetics/Laboratory Corporation of America, LabCorp
Classification: Pathogenic for Stargardt disease. Last evaluated: 2024-07-15. Review status: criteria provided, single submitter. Criteria: LabCorp Variant Classification Summary - May 2015. Collection method: clinical testing. Allele origin: germline.
Comment: Variant summary: ABCA4 c.53G>A (p.Arg18Gln) results in a conservative amino acid change in the encoded protein sequence. Four of five in-silico tools predict a damaging effect of the variant on protein function. The variant was absent in 251400 control chromosomes (gnomAD). c.53G>A has been reported in the literature in multiple individuals affected with Stargardt Disease (e.g. Nassisi_2018, Khan_2020, Cornelis_2022). These data indicate that the variant is very likely to be associated with disease. The following publications have been ascertained in the context of this evaluation (PMID: 30060493, 32307445, 35120629). ClinVar contains an entry for this variant (Variation ID: 1350865). Based on the evidence outlined above, the variant was classified as pathogenic.

Labcorp Genetics (formerly Invitae), Labcorp
Classification: Pathogenic. Last evaluated: 2023-05-15. Review status: criteria provided, single submitter. Criteria: Invitae Variant Classification Sherloc (09022015). Collection method: clinical testing. Allele origin: germline.
Comment: For these reasons, this variant has been classified as Pathogenic. This variant disrupts the p.Arg18 amino acid residue in ABCA4. Other variant(s) that disrupt this residue have been determined to be pathogenic (PMID: 23096905, 23755871, 29854428, 29925512). This suggests that this residue is clinically significant, and that variants that disrupt this residue are likely to be disease-causing. Advanced modeling of protein sequence and biophysical properties (such as structural, functional, and spatial information, amino acid conservation, physicochemical variation, residue mobility, and thermodynamic stability) performed at Invitae indicates that this missense variant is expected to disrupt ABCA4 protein function. ClinVar contains an entry for this variant (Variation ID: 1350865). This missense change has been observed in individual(s) with Stargardt disease (PMID: 30060493). In at least one individual the data is consistent with being in trans (on the opposite chromosome) from a pathogenic variant. It has also been observed to segregate with disease in related individuals. This variant is not present in population databases (gnomAD no frequency). This sequence change replaces arginine, which is basic and polar, with glutamine, which is neutral and polar, at codon 18 of the ABCA4 protein (p.Arg18Gln).

Blueprint Genetics
Classification: Pathogenic for ABCA4-related disorders. Last evaluated: 2023-01-03. Review status: criteria provided, single submitter. Criteria: ACMG Guidelines, 2015. Collection method: clinical testing. Allele origin: germline. Affected: yes. Observed: 4 variant alleles.

Literature cited by the submitters: PubMed 32307445 (cited by Women's Health and Genetics/Laboratory Corporation of America, LabCorp); PubMed 30060493 (cited by Women's Health and Genetics/Laboratory Corporation of America, LabCorp and Labcorp Genetics (formerly Invitae), Labcorp); PubMed 35120629 (cited by Women's Health and Genetics/Laboratory Corporation of America, LabCorp); PubMed 23096905 (cited by Labcorp Genetics (formerly Invitae), Labcorp); PubMed 23755871 (cited by Labcorp Genetics (formerly Invitae), Labcorp); PubMed 29854428 (cited by Labcorp Genetics (formerly Invitae), Labcorp); PubMed 29925512 (cited by Labcorp Genetics (formerly Invitae), Labcorp).